The following is an entry in ClinVar:

ClinVar aggregate classification (germline): Likely benign (1 of 4 stars; one submission).

Allele frequency attached by ClinVar (database versions not stated): gnomAD 0.00004; gnomAD exomes 0.00008; 1000 Genomes Project 30x 0.00031; 1000 Genomes Project 0.00040; ExAC 0.00063.
gnomAD v4.1: 113 of 1,549,266 alleles (0.0073%); highest among the groups gnomAD compares: South Asian, 0.13%; 3 homozygotes.

Submission:

CeGaT Center for Human Genetics Tuebingen
Classification: Likely benign. Last evaluated: 2023-08-01. Review status: criteria provided, single submitter. Criteria: CeGaT Center For Human Genetics Tuebingen Variant Classification Criteria Version 2. Collection method: clinical testing. Allele origin: germline. Affected: yes. Observed: 1 variant allele.
Comment: OTOG: BP4, BP7

NM_001292063.2(OTOG):c.7611A>C (p.Ala2537=)

Gene: OTOG (otogelin; plus strand). Cytogenetic location: 11p15.1.
Variant type: single nucleotide variant.
Coding change: c.7611A>C on transcript NM_001292063.2 (MANE Select); coding-DNA position 7611, A replaced by C.
Protein change: p.Ala2537=; no amino-acid change (alanine 2537 retained).
Molecular consequence: synonymous variant.
Genome position (GRCh38, 1-based): chr11:17,635,105, A>C. VCF-style: chr11-17635105-A-C. GRCh37 (hg19) VCF-style: chr11-17656652-A-C.
Other names: c.7647A>C, p.Ala2549= (NM_001277269.2).
Identifiers: ClinVar variation 2641655 (VCV002641655.24), dbSNP rs540270096, ClinGen allele CA5906153.
Genomic context (GRCh38, chr11:17,635,105, plus strand): 5'-CCTCTCCCAGCACCTAAATTCAGCCTTTTCCCCAGAGTGTGACCCAGATCTCTGTGAGGC[A>C]GAGCTGGTCCCCAGCTGCCGACAGGACCAGATCCTGATCACGGGCCGCCTGGGGGACTCC-3'
Protein context (NP_001278992.1, residues 2527-2547): SCECDPDLCE[Ala2537=]ELVPSCRQDQ